The following is an entry in ClinVar:

NM_003322.6(TULP1):c.327C>G (p.Ala109=)

Gene: TULP1 (TUB like protein 1; minus strand). Cytogenetic location: 6p21.31.
Variant type: single nucleotide variant.
Coding change: c.327C>G on transcript NM_003322.6 (MANE Select); coding-DNA position 327, C replaced by G.
Protein change: p.Ala109=; no amino-acid change (alanine 109 retained).
Molecular consequence: synonymous variant. On other transcripts: intron variant (1).
Genome position (GRCh38, 1-based): chr6:35,511,670, G>C on the plus strand (C>G on the coding strand, the complement: TULP1 is on the minus strand). VCF-style: chr6-35511670-G-C. GRCh37 (hg19) VCF-style: chr6-35479447-G-C.
Other names: c.190+510C>G (NM_001289395.2).
Identifiers: ClinVar variation 197212 (VCV000197212.45), dbSNP rs568898016, ClinGen allele CA245218.

ClinVar aggregate classification (germline): Conflicting classifications of pathogenicity. Review status: criteria provided, conflicting classifications (1 of 4 stars). 4 submissions from 4 submitters: Uncertain significance (1); Likely benign (3). Last evaluated 2026-01-28.

Allele frequency attached by ClinVar (database versions not stated): gnomAD exomes 0.00010 and 0.00011; ExAC 0.00015; TOPMed 0.00015; gnomAD 0.00028 and 0.00029; 1000 Genomes Project 30x 0.00031; 1000 Genomes Project 0.00040.
gnomAD v4.1: 190 of 1,595,966 alleles (0.012%); highest among the groups gnomAD compares: Middle Eastern, 0.12%; no homozygotes.

Submissions (4):

Labcorp Genetics (formerly Invitae), Labcorp
Classification: Likely benign. Last evaluated: 2026-01-28. Review status: criteria provided, single submitter. Criteria: Invitae Variant Classification Sherloc (09022015). Collection method: clinical testing. Allele origin: germline.

Blueprint Genetics
Classification: Likely benign. Last evaluated: 2024-06-28. Review status: criteria provided, single submitter. Criteria: ACMG Guidelines, 2015. Collection method: clinical testing. Allele origin: germline.

CeGaT Center for Human Genetics Tuebingen
Classification: Likely benign. Last evaluated: 2023-01-01. Review status: criteria provided, single submitter. Criteria: CeGaT Center For Human Genetics Tuebingen Variant Classification Criteria Version 2. Collection method: clinical testing. Allele origin: germline. Affected: yes. Observed: 1 variant allele.
Comment: TULP1: BP4, BP7

Eurofins Ntd Llc (ga)
Classification: Uncertain significance. Last evaluated: 2015-01-21. Review status: criteria provided, single submitter. Criteria: EGL Classification Definitions 2015. Collection method: clinical testing. Allele origin: germline. Observed: 1 variant allele, 1 heterozygote.